The following is an entry in ClinVar:

ClinVar aggregate classification (germline): Uncertain significance (1 of 4 stars; one submission).

Conditions:
CPLANE1-related disorder. Also called: CPLANE1-related condition.

Submission:

PreventionGenetics, part of Exact Sciences
Classification: Uncertain significance for CPLANE1-related condition. Last evaluated: 2022-10-11. Review status: criteria provided, single submitter. Criteria: ACMG Guidelines, 2015. Collection method: clinical testing. Allele origin: germline.
Comment: The CPLANE1 c.4575_4577delAGA variant is predicted to result in an in-frame deletion (p.Glu1525del). To our knowledge, this variant has not been reported in the literature. This variant is reported in 0.055% of alleles in individuals of East Asian descent in gnomAD. Although we suspect that this variant may be benign, at this time, the clinical significance of this variant is uncertain due to the absence of conclusive functional and genetic evidence.

NM_001384732.1(CPLANE1):c.4572AGA[1] (p.Glu1525del)

Gene: CPLANE1 (ciliogenesis and planar polarity effector complex subunit 1; minus strand). Cytogenetic location: 5p13.2.
Variant type: Microsatellite.
Coding change: c.4572AGA[1] on transcript NM_001384732.1 (MANE Select); one copy of the 3-base unit AGA starting at c.4572; the reference has two copies in a row; one copy, 3 bases deleted.
Protein change: p.Glu1525del; deletes glutamic acid 1525.
Molecular consequence: inframe deletion.
Genome position (GRCh38, 1-based): chr5:37,183,604-37,183,606, TCT deleted on the plus strand (AGA on the coding strand, the reverse complement: CPLANE1 is on the minus strand); deleting any 3 consecutive bases within chr5:37,183,604-37,183,610 gives the same sequence; the position shown is the placement nearest the transcript's 3' end. VCF-style (leftmost placement, unchanged base first): chr5-37183603-ATCT-A. GRCh37 (hg19) VCF-style: chr5-37183705-ATCT-A.
Other names: c.4572AGA[1], p.Glu1525del (NM_023073.4); short protein forms E1525del.
Identifiers: ClinVar variation 2634773 (VCV002634773.1), dbSNP rs761958901, ClinGen allele CA3238673.